The following is an entry in ClinVar:

ClinVar aggregate classification (germline): Likely pathogenic. Review status: criteria provided, multiple submitters, no conflicts (2 of 4 stars). 2 submissions from 2 submitters: Likely pathogenic (2). Last evaluated 2025-01-28.

Conditions:
Juvenile neuronal ceroid lipofuscinosis. Also called: Batten Disease. Identifiers: Orphanet 79264, MedGen CN293564, MONDO:0019262.
Neuronal ceroid lipofuscinosis 3 (CLN3). Identifiers: Orphanet 228346, MedGen C0751383, MONDO:0008767, OMIM 204200.

Allele frequency attached by ClinVar (database versions not stated): TOPMed 0.00001.

Submissions (2):

Natera, Inc.
Classification: Likely pathogenic for Batten Disease. Last evaluated: 2025-01-28. Review status: criteria provided, single submitter. Criteria: Natera Variant Classification Schema (03/2026). Collection method: clinical testing. Allele origin: germline.
Comment: The c.375-2delA variant in CLN3 is a canonical splice acceptor site variant predicted to affect pre-mRNA splicing, which may result in an abnormal transcript and altered protein product. This variant is expected to result in nonsense mediated decay, truncation, or a dysfunctional protein product. This variant is rare in the general population with a frequency below the threshold expected for the associated phenotype(s). Given the available evidence, this variant is classified as Likely Pathogenic.

Baylor Genetics
Classification: Likely pathogenic for Neuronal ceroid lipofuscinosis 3. Last evaluated: 2023-08-03. Review status: criteria provided, single submitter. Criteria: ACMG Guidelines, 2015. Collection method: clinical testing. Allele origin: unknown.

NM_001042432.2(CLN3):c.375-2del

Gene: CLN3 (CLN3 lysosomal/endosomal transmembrane protein, battenin; minus strand). Cytogenetic location: 16p12.1.
Variant type: Deletion.
Coding change: c.375-2del on transcript NM_001042432.2 (MANE Select); the canonical splice acceptor site of the intron before coding-DNA position 375, one base deleted (A; older notation c.375-2delA).
Molecular consequence: splice acceptor variant.
Genome position (GRCh38, 1-based): chr16:28,487,543, T deleted on the plus strand (A on the coding strand, the reverse complement: CLN3 is on the minus strand). VCF-style (leftmost placement, unchanged base first): chr16-28487542-CT-C. GRCh37 (hg19) VCF-style: chr16-28498863-CT-C.
Other names: c.375-2delA (NM_000086.2); c.141-2del (NM_001286109.2); c.303-2del (NM_001286104.2); c.75-2del (NM_001286105.2); c.213-2del (NM_001286110.2); c.375-2del (NM_000086.2).
Identifiers: ClinVar variation 2680818 (VCV002680818.2), dbSNP rs1183257496, ClinGen allele CA719658823.